The following is an entry in ClinVar:

ClinVar aggregate classification (germline): Uncertain significance (1 of 4 stars; one submission).

Conditions:
Familial thoracic aortic aneurysm and aortic dissection (TAAD). Also called: Thoracic aortic aneurysms and dissections. Identifiers: Orphanet 91387, MedGen C4707243, MONDO:0019625.

Allele frequency attached by ClinVar (database versions not stated): gnomAD 0.00001.
gnomAD v4.1: 1 of 1,610,412 alleles (0.000062%); highest among the groups gnomAD compares: African/African-American, 0.0013%; no homozygotes.

Submission:

Ambry Genetics
Classification: Uncertain significance for Familial thoracic aortic aneurysm and aortic dissection. Last evaluated: 2022-06-22. Review status: criteria provided, single submitter. Criteria: Ambry Variant Classification Scheme 2023. Collection method: clinical testing. Allele origin: germline.
Comment: The p.N1179I variant (also known as c.3536A>T), located in coding exon 22 of the NOTCH1 gene, results from an A to T substitution at nucleotide position 3536. The asparagine at codon 1179 is replaced by isoleucine, an amino acid with dissimilar properties. This amino acid position is conserved. In addition, the in silico prediction for this alteration is inconclusive. Since supporting evidence is limited at this time, the clinical significance of this alteration remains unclear.

NM_017617.5(NOTCH1):c.3536A>T (p.Asn1179Ile)

Gene: NOTCH1 (notch receptor 1; minus strand). Cytogenetic location: 9q34.3.
Variant type: single nucleotide variant.
Coding change: c.3536A>T on transcript NM_017617.5 (MANE Select); coding-DNA position 3536, A replaced by T.
Protein change: p.Asn1179Ile; replaces asparagine 1179 with isoleucine.
Molecular consequence: missense variant.
Genome position (GRCh38, 1-based): chr9:136,507,412, T>A on the plus strand (A>T on the coding strand, the complement: NOTCH1 is on the minus strand). VCF-style: chr9-136507412-T-A. GRCh37 (hg19) VCF-style: chr9-139401864-T-A.
Other names: short protein forms N1179I.
Identifiers: ClinVar variation 1732401 (VCV001732401.2), dbSNP rs1364764887, ClinGen allele CA375550075.